The following is an entry in ClinVar:

ClinVar aggregate classification (germline): Likely pathogenic (1 of 4 stars; one submission).

Submission:

GeneDx
Classification: Likely pathogenic. Last evaluated: 2015-07-23. Review status: criteria provided, single submitter. Criteria: GeneDx Variant Classification (06012015). Collection method: clinical testing. Allele origin: germline. Affected: yes.
Comment: The c.574+1G>A variant in the TAF6 gene has not been reported previously as a disease-causing variant nor as a benign polymorphism, to our knowledge. This splice site variant destroys the canonical splice donor site in intron 6. It is predicted to cause abnormal gene splicing, either leading to an abnormal message that is subject to nonsense-mediated mRNA decay, or to an abnormal protein product if the message is used for protein translation. However, to date only missense variants have been reported in the Human Gene Mutation Database in association with TAF6-related disorders (Stenson et al., 2014). The c.574+1G>A variant was not observed in approximately 6,500 individuals of European and African American ancestry in the NHLBI Exome Sequencing Project; albeit, data from ethnically-matched control individuals were not available to assess for a population-specific benign variant. Given the available data, we interpret c.574+1G>A as a strong candidate for a disease-causing variant

NM_139315.3(TAF6):c.574+1G>A

Gene: TAF6 (TATA-box binding protein associated factor 6; minus strand). Cytogenetic location: 7q22.1.
Variant type: single nucleotide variant.
Coding change: c.574+1G>A on transcript NM_139315.3 (MANE Select); the canonical splice donor site of the intron after coding-DNA position 574, G replaced by A.
Molecular consequence: splice donor variant.
Genome position (GRCh38, 1-based): chr7:100,112,797, C>T on the plus strand (G>A on the coding strand, the complement: TAF6 is on the minus strand). VCF-style: chr7-100112797-C-T. GRCh37 (hg19) VCF-style: chr7-99710420-C-T.
Other names: c.685+1G>A (NM_001190415.2); c.544+1G>A (NM_001365001.1, NM_001365000.1, NM_001365003.1 and 1 more transcripts); c.712+1G>A (NM_001365004.1); c.574+1G>A (NM_005641.4, NM_001364998.1, NM_001364999.1).
Identifiers: ClinVar variation 429479 (VCV000429479.2), dbSNP rs1131691405, ClinGen allele CA368489499.
Genomic context (GRCh38, chr7:100,112,797, plus strand): 5'-AAACAAACGGCCATGTGGCTTTGGGCAAGAGTCCAGAGAGGCCTAGCCTAGGAGGACTGA[C>T]CTTTGCCGTCGGCTGTGGTGGCCCCTTGACCTTTGCCCTTCAGGGGTCCGTCTTCCTCCT-3'